The following is an entry in ClinVar:

NM_002715.4(PPP2CA):c.311A>T (p.Lys104Met)

Gene: PPP2CA (protein phosphatase 2 catalytic subunit alpha; minus strand). Cytogenetic location: 5q31.1.
Variant type: single nucleotide variant.
Coding change: c.311A>T on transcript NM_002715.4 (MANE Select); coding-DNA position 311, A replaced by T.
Protein change: p.Lys104Met; replaces lysine 104 with methionine.
Molecular consequence: missense variant. On other transcripts: non-coding transcript variant (1).
Genome position (GRCh38, 1-based): chr5:134,205,923, T>A on the plus strand (A>T on the coding strand, the complement: PPP2CA is on the minus strand). VCF-style: chr5-134205923-T-A. GRCh37 (hg19) VCF-style: chr5-133541614-T-A.
Other names: c.116A>T, p.Lys39Met (NM_001355019.2); short protein forms K104M, K39M.
Identifiers: ClinVar variation 2136118 (VCV002136118.1), dbSNP rs2481058148, ClinGen allele CA360993862.

ClinVar aggregate classification (germline): Uncertain significance (1 of 4 stars; one submission).

Submission:

GeneDx
Classification: Uncertain significance. Last evaluated: 2022-07-21. Review status: criteria provided, single submitter. Criteria: GeneDx Variant Classification Process June 2021. Collection method: clinical testing. Allele origin: germline. Affected: yes.
Comment: Not observed at significant frequency in large population cohorts (gnomAD); In silico analysis supports that this missense variant has a deleterious effect on protein structure/function; In-silico analysis is inconclusive as to whether the variant alters gene splicing. In the absence of RNA/functional studies, the actual effect of this sequence change is unknown.; Has not been previously published as pathogenic or benign to our knowledge